The following is an entry in ClinVar:

NM_022455.5(NSD1):c.3254del (p.Pro1085fs)

Gene: NSD1 (nuclear receptor binding SET domain protein 1; plus strand). Cytogenetic location: 5q35.3.
Variant type: Deletion.
Coding change: c.3254del on transcript NM_022455.5 (MANE Select); coding-DNA position 3254, one base deleted (C; older notation c.3254delC).
Protein change: p.Pro1085fs; shifts the reading frame from proline 1085.
Molecular consequence: frameshift variant.
Genome position (GRCh38, 1-based): chr5:177,211,653, C deleted; the last of 2 consecutive C bases (chr5:177,211,652-177,211,653); deleting either gives the same sequence. VCF-style (leftmost placement, unchanged base first): chr5-177211651-TC-T. GRCh37 (hg19) VCF-style: chr5-176638652-TC-T.
Other names: c.2381delC, p.Pro794Leufs (NM_001365684.2, NM_001409306.1, NM_001409307.1 and 3 more transcripts); c.3254delC, p.Pro1085Leufs (NM_001409301.1, NM_001409302.1, NM_001409303.1); c.2834delC, p.Pro945Leufs (NM_001409304.1); c.2501delC, p.Pro834Leufs (NM_001409305.1); short protein forms P1085fs, P816fs.
Identifiers: ClinVar variation 1076373 (VCV001076373.7), dbSNP rs2149847798, ClinGen allele CA2499217772.

ClinVar aggregate classification (germline): Pathogenic (1 of 4 stars; one submission).

Submission:

Labcorp Genetics (formerly Invitae), Labcorp
Classification: Pathogenic. Last evaluated: 2018-05-13. Review status: criteria provided, single submitter. Criteria: Invitae Variant Classification Sherloc (09022015). Collection method: clinical testing. Allele origin: germline.
Comment: For these reasons, this variant has been classified as Pathogenic. Loss-of-function variants in NSD1 are known to be pathogenic (PMID: 12464997, 14571271, 15942875, 16247291). This variant has not been reported in the literature in individuals with NSD1-related disease. This variant is not present in population databases (ExAC no frequency). This sequence change creates a premature translational stop signal (p.Pro1085Leufs*9) in the NSD1 gene. It is expected to result in an absent or disrupted protein product.

Literature cited by the submitters: PubMed 12464997; PubMed 14571271; PubMed 15942875; PubMed 16247291.